The following is an entry in ClinVar:

ClinVar aggregate classification (germline): Benign/Likely benign. Review status: criteria provided, multiple submitters, no conflicts (2 of 4 stars). 5 submissions from 2 submitters: Benign (1); Likely benign (4). Last evaluated 2021-05-24.

Conditions:
Jervell and Lange-Nielsen syndrome 1 (JLNS1). Also called: CARDIOAUDITORY SYNDROME OF JERVELL AND LANGE-NIELSEN; DEAFNESS, CONGENITAL, AND FUNCTIONAL HEART DISEASE; PROLONGED QT INTERVAL IN EKG AND SUDDEN DEATH; SURDO-CARDIAC SYNDROME. Identifiers: Orphanet 768, Orphanet 90647, MedGen C4551509, MONDO:0024540, OMIM 220400.
Short QT syndrome type 2. Identifiers: Orphanet 51083, MedGen C1865019, MONDO:0012313, OMIM 609621.
Long QT syndrome 1 (LQT1). Identifiers: Orphanet 101016, Orphanet 768, MedGen C4551647, MONDO:0100316, OMIM 192500, MONDO:0008646.
Atrial fibrillation, familial, 3 (ATFB3). Identifiers: MedGen C1837014, MONDO:0011857, OMIM 607554.

Allele frequency attached by ClinVar (database versions not stated): ExAC 0.00026; gnomAD exomes 0.00055 and 0.00096; 1000 Genomes Project 0.00399; gnomAD 0.00412 and 0.00438; 1000 Genomes Project 30x 0.00437; TOPMed 0.00541.
gnomAD v4.1: 788 of 460,446 alleles (0.17%); highest among the groups gnomAD compares: African/African-American, 1.4%; 8 homozygotes.

Submissions (5):

GeneDx
Classification: Likely benign. Last evaluated: 2021-05-24. Review status: criteria provided, single submitter. Criteria: GeneDx Variant Classification Process June 2021. Collection method: clinical testing. Allele origin: germline. Affected: yes.

Illumina Laboratory Services, Illumina
Classification: Likely benign for Long QT syndrome 1. Last evaluated: 2018-01-13. Review status: criteria provided, single submitter. Criteria: ICSL Variant Classification Criteria 13 December 2019. Collection method: clinical testing. Allele origin: germline.
Comment: This variant was observed in the ICSL laboratory as part of a predisposition screen in an ostensibly healthy population. It had not been previously curated by ICSL or reported in the Human Gene Mutation Database (HGMD: prior to June 1st, 2018), and was therefore a candidate for classification through an automated scoring system. Utilizing variant allele frequency, disease prevalence and penetrance estimates, and inheritance mode, an automated score was calculated to assess if this variant is too frequent to cause the disease. Based on the score and internal cut-off values, a variant classified as likely benign is not then subjected to further curation. The score for this variant resulted in a classification of likely benign for this disease.

Illumina Laboratory Services, Illumina
Classification: Benign for Short QT syndrome type 2. Last evaluated: 2018-01-13. Review status: criteria provided, single submitter. Criteria: ICSL Variant Classification Criteria 13 December 2019. Collection method: clinical testing. Allele origin: germline.
Comment: This variant was observed in the ICSL laboratory as part of a predisposition screen in an ostensibly healthy population. It had not been previously curated by ICSL or reported in the Human Gene Mutation Database (HGMD: prior to June 1st, 2018), and was therefore a candidate for classification through an automated scoring system. Utilizing variant allele frequency, disease prevalence and penetrance estimates, and inheritance mode, an automated score was calculated to assess if this variant is too frequent to cause the disease. Based on the score and internal cut-off values, a variant classified as benign is not then subjected to further curation. The score for this variant resulted in a classification of benign for this disease.

Illumina Laboratory Services, Illumina
Classification: Likely benign for Jervell and Lange-Nielsen syndrome 1. Last evaluated: 2018-01-13. Review status: criteria provided, single submitter. Criteria: ICSL Variant Classification Criteria 13 December 2019. Collection method: clinical testing. Allele origin: germline.
Comment: the same text as in the submission from Illumina Laboratory Services, Illumina above.

Illumina Laboratory Services, Illumina
Classification: Likely benign for Atrial fibrillation, familial, 3. Last evaluated: 2018-01-13. Review status: criteria provided, single submitter. Criteria: ICSL Variant Classification Criteria 13 December 2019. Collection method: clinical testing. Allele origin: germline.
Comment: the same text as in the submission from Illumina Laboratory Services, Illumina above.

NM_000218.3(KCNQ1):c.*464G>A

Genes: KCNQ1 (potassium voltage-gated channel subfamily Q member 1; plus strand), KCNQ1-AS1 (KCNQ1 antisense RNA 1; minus strand). Cytogenetic location: 11p15.4.
Variant type: single nucleotide variant.
Coding change: c.*464G>A on transcript NM_000218.3 (MANE Select); 464 bases downstream of the stop codon, G replaced by A.
Molecular consequence: 3 prime UTR variant.
Genome position (GRCh38, 1-based): chr11:2,848,467, G>A. VCF-style: chr11-2848467-G-A. GRCh37 (hg19) VCF-style: chr11-2869697-G-A.
Other names: c.*464G>A (NM_001406836.1, NM_001406837.1, NM_001406838.1 and 2 more transcripts).
Identifiers: ClinVar variation 304248 (VCV000304248.9), dbSNP rs141960532, ClinGen allele CA037326.